The following is an entry in ClinVar:

ClinVar aggregate classification (germline): Uncertain significance (1 of 4 stars; one submission).

Conditions:
Inborn genetic diseases. Identifiers: MedGen C0950123, MeSH D030342.

gnomAD v4.1: 1 of 1,210,356 alleles (0.000083%); highest among the groups gnomAD compares: Admixed American, 0.0022%; no homozygotes.

Submission:

Ambry Genetics
Classification: Uncertain significance for Inborn genetic diseases. Last evaluated: 2025-12-15. Review status: criteria provided, single submitter. Criteria: Ambry Variant Classification Scheme 2023. Collection method: clinical testing. Allele origin: germline.
Comment: The c.1969A>G (p.M657V) alteration is located in exon 16 (coding exon 16) of the L1CAM gene. This alteration results from a A to G substitution at nucleotide position 1969, causing the methionine (M) at amino acid position 657 to be replaced by a valine (V). Based on data from gnomAD, the G allele has an overall frequency of <0.001% (1/183457) total alleles studied. The highest observed frequency was 0.004% (1/27430) of Latino alleles. Based on insufficient or conflicting evidence, the clinical significance of this alteration remains unclear.

NM_001278116.2(L1CAM):c.1969A>G (p.Met657Val)

Gene: L1CAM (L1 cell adhesion molecule; minus strand). Cytogenetic location: Xq28.
Variant type: single nucleotide variant.
Coding change: c.1969A>G on transcript NM_001278116.2 (MANE Select); coding-DNA position 1969, A replaced by G.
Protein change: p.Met657Val; replaces methionine 657 with valine.
Molecular consequence: missense variant.
Genome position (GRCh38, 1-based): chrX:153,867,524, T>C on the plus strand (A>G on the coding strand, the complement: L1CAM is on the minus strand). VCF-style: chrX-153867524-T-C. GRCh37 (hg19) VCF-style: chrX-153132979-T-C.
Other names: c.1969A>G, p.Met657Val (NM_000425.5, NM_024003.3); c.1954A>G, p.Met652Val (NM_001143963.2); short protein forms M652V, M657V.
Identifiers: ClinVar variation 4834629 (VCV004834629.1).